The following is an entry in ClinVar:

ClinVar aggregate classification (germline): Uncertain significance. Review status: criteria provided, multiple submitters, no conflicts (2 of 4 stars). 2 submissions from 2 submitters: Uncertain significance (2). Last evaluated 2026-01-19.

Conditions:
Inborn genetic diseases. Identifiers: MedGen C0950123, MeSH D030342.
Charcot-Marie-Tooth disease type 2. Also called: Charcot-Marie-Tooth type 2. Identifiers: Orphanet 64746, MedGen C0270914, MONDO:0018993.

Allele frequency attached by ClinVar (database versions not stated): gnomAD exomes 0.00001; gnomAD 0.00003; TOPMed 0.00003; ESP Exome Variant Server 0.00008; ExAC 0.00002.
gnomAD v4.1: 11 of 1,614,034 alleles (0.00068%); highest among the groups gnomAD compares: Admixed American, 0.0083%; no homozygotes.

Submissions (2):

Labcorp Genetics (formerly Invitae), Labcorp
Classification: Uncertain significance for Charcot-Marie-Tooth disease type 2. Last evaluated: 2026-01-19. Review status: criteria provided, single submitter. Criteria: Invitae Variant Classification Sherloc (09022015). Collection method: clinical testing. Allele origin: germline.
Comment: This sequence change replaces isoleucine, which is neutral and non-polar, with threonine, which is neutral and polar, at codon 238 of the AARS protein (p.Ile238Thr). This variant is present in population databases (rs372680730, gnomAD 0.008%). This variant has not been reported in the literature in individuals affected with AARS-related conditions. ClinVar contains an entry for this variant (Variation ID: 1682287). Invitae Evidence Modeling of protein sequence and biophysical properties (such as structural, functional, and spatial information, amino acid conservation, physicochemical variation, residue mobility, and thermodynamic stability) has been performed for this missense variant. However, the output from this modeling did not meet the statistical confidence thresholds required to predict the impact of this variant on AARS protein function. In summary, the available evidence is currently insufficient to determine the role of this variant in disease. Therefore, it has been classified as a Variant of Uncertain Significance.

Ambry Genetics
Classification: Uncertain significance for Inborn genetic diseases. Last evaluated: 2025-08-30. Review status: criteria provided, single submitter. Criteria: Ambry Variant Classification Scheme 2023. Collection method: clinical testing. Allele origin: germline.

NM_001605.3(AARS1):c.713T>C (p.Ile238Thr)

Gene: AARS1 (alanyl-tRNA synthetase 1; minus strand). Cytogenetic location: 16q22.1.
Variant type: single nucleotide variant.
Coding change: c.713T>C on transcript NM_001605.3 (MANE Select); coding-DNA position 713, T replaced by C.
Protein change: p.Ile238Thr; replaces isoleucine 238 with threonine.
Molecular consequence: missense variant.
Genome position (GRCh38, 1-based): chr16:70,270,299, A>G on the plus strand (T>C on the coding strand, the complement: AARS1 is on the minus strand). VCF-style: chr16-70270299-A-G. GRCh37 (hg19) VCF-style: chr16-70304202-A-G.
Other names: c.713T>C (NM_001605.2); short protein forms I238T.
Identifiers: ClinVar variation 1682287 (VCV001682287.7), dbSNP rs372680730, ClinGen allele CA8141060.